The following is an entry in ClinVar:

NM_014806.5(RUSC2):c.4198C>T (p.Arg1400Trp)

Gene: RUSC2 (RUN and SH3 domain containing 2; plus strand). Cytogenetic location: 9p13.3.
Variant type: single nucleotide variant.
Coding change: c.4198C>T on transcript NM_014806.5 (MANE Select); coding-DNA position 4198, C replaced by T.
Protein change: p.Arg1400Trp; replaces arginine 1400 with tryptophan.
Molecular consequence: missense variant. On other transcripts: non-coding transcript variant (1).
Genome position (GRCh38, 1-based): chr9:35,560,838, C>T. VCF-style: chr9-35560838-C-T. GRCh37 (hg19) VCF-style: chr9-35560835-C-T.
Other names: c.4198C>T, p.Arg1400Trp (NM_001135999.2); c.1564C>T, p.Arg522Trp (NM_001330740.2); c.4198C>T (NM_001135999.1); short protein forms R522W, R1400W.
Identifiers: ClinVar variation 1360731 (VCV001360731.6), dbSNP rs375551977, ClinGen allele CA5044307.

ClinVar aggregate classification (germline): Uncertain significance. Review status: criteria provided, multiple submitters, no conflicts (2 of 4 stars). 2 submissions from 2 submitters: Uncertain significance (2). Last evaluated 2025-03-31.

Allele frequency attached by ClinVar (database versions not stated): gnomAD 0.00007 and 0.00008; ESP Exome Variant Server 0.00008; gnomAD exomes 0.00005; TOPMed 0.00007; ExAC 0.00006.
gnomAD v4.1: 85 of 1,533,480 alleles (0.0055%); highest among the groups gnomAD compares: East Asian, 0.036%; no homozygotes.

Submissions (2):

Ambry Genetics
Classification: Uncertain significance. Last evaluated: 2025-03-31. Review status: criteria provided, single submitter. Criteria: Ambry Variant Classification Scheme 2023. Collection method: clinical testing. Allele origin: germline.

Labcorp Genetics (formerly Invitae), Labcorp
Classification: Uncertain significance. Last evaluated: 2022-06-14. Review status: criteria provided, single submitter. Criteria: Invitae Variant Classification Sherloc (09022015). Collection method: clinical testing. Allele origin: germline.
Comment: This sequence change replaces arginine, which is basic and polar, with tryptophan, which is neutral and slightly polar, at codon 1400 of the RUSC2 protein (p.Arg1400Trp). This variant is present in population databases (rs375551977, gnomAD 0.03%). This variant has not been reported in the literature in individuals affected with RUSC2-related conditions. Algorithms developed to predict the effect of missense changes on protein structure and function are either unavailable or do not agree on the potential impact of this missense change (SIFT: "Deleterious"; PolyPhen-2: "Probably Damaging"; Align-GVGD: "Class C0"). In summary, the available evidence is currently insufficient to determine the role of this variant in disease. Therefore, it has been classified as a Variant of Uncertain Significance.